The following is an entry in ClinVar:

NM_015178.3(RHOBTB2):c.745C>T (p.Pro249Ser)

Gene: RHOBTB2 (Rho related BTB domain containing 2; plus strand). Cytogenetic location: 8p21.3.
Variant type: single nucleotide variant.
Coding change: c.745C>T on transcript NM_015178.3 (MANE Select); coding-DNA position 745, C replaced by T.
Protein change: p.Pro249Ser; replaces proline 249 with serine.
Molecular consequence: missense variant.
Genome position (GRCh38, 1-based): chr8:23,006,990, C>T. VCF-style: chr8-23006990-C-T. GRCh37 (hg19) VCF-style: chr8-22864503-C-T.
Other names: c.811C>T, p.Pro271Ser (NM_001160036.2); c.766C>T, p.Pro256Ser (NM_001160037.2); c.745C>T, p.Pro249Ser (NM_001374791.1); short protein forms P249S, P256S, P271S.
Identifiers: ClinVar variation 2095248 (VCV002095248.4), dbSNP rs368451594, ClinGen allele CA173876845.
Genomic context (GRCh38, chr8:23,006,990, plus strand): 5'-CTGCAGGCACCCTTCCTACCCCCCAAGCCACCGCCCCCGATCATCGTGGTGCCCGACCCT[C>T]CCTCCAGCAGCGAGGAGTGCCCCGCCCACCTCCTGGAGGACCCGCTCTGCGCGGACGTCA-3'
Protein context (NP_055993.2, residues 239-259): PPPIIVVPDP[Pro249Ser]SSSEECPAHL

ClinVar aggregate classification (germline): Uncertain significance (1 of 4 stars; one submission).

Allele frequency attached by ClinVar (database versions not stated): gnomAD exomes below 0.00001; ESP Exome Variant Server 0.00008.
gnomAD v4.1: 2 of 1,610,362 alleles (0.00012%); highest among the groups gnomAD compares: Non-Finnish European, 0.00017%; no homozygotes.

Submission:

Labcorp Genetics (formerly Invitae), Labcorp
Classification: Uncertain significance. Last evaluated: 2022-02-08. Review status: criteria provided, single submitter. Criteria: Invitae Variant Classification Sherloc (09022015). Collection method: clinical testing. Allele origin: germline.
Comment: This sequence change replaces proline, which is neutral and non-polar, with serine, which is neutral and polar, at codon 271 of the RHOBTB2 protein (p.Pro271Ser). This variant is not present in population databases (gnomAD no frequency). This variant has not been reported in the literature in individuals affected with RHOBTB2-related conditions. Algorithms developed to predict the effect of missense changes on protein structure and function are either unavailable or do not agree on the potential impact of this missense change (SIFT: "Tolerated"; PolyPhen-2: "Probably Damaging"; Align-GVGD: "Class C0"). In summary, the available evidence is currently insufficient to determine the role of this variant in disease. Therefore, it has been classified as a Variant of Uncertain Significance.